The following is an entry in ClinVar:

ClinVar aggregate classification (germline): Uncertain significance. Review status: criteria provided, multiple submitters, no conflicts (2 of 4 stars). 2 submissions from 2 submitters: Uncertain significance (2). Last evaluated 2025-03-06.

Conditions:
Cardiovascular phenotype. Identifiers: MedGen CN230736.

Allele frequency attached by ClinVar (database versions not stated): ExAC 0.00001; gnomAD 0.00001; gnomAD exomes 0.00001; TOPMed 0.00001.
gnomAD v4.1: 6 of 1,481,366 alleles (0.00041%); highest among the groups gnomAD compares: Non-Finnish European, 0.00054%; no homozygotes.

Submissions (2):

Ambry Genetics
Classification: Uncertain significance for Cardiovascular phenotype. Last evaluated: 2025-03-06. Review status: criteria provided, single submitter. Criteria: Ambry Variant Classification Scheme 2023. Collection method: clinical testing. Allele origin: germline.

GeneDx
Classification: Uncertain significance. Last evaluated: 2022-06-27. Review status: criteria provided, single submitter. Criteria: GeneDx Variant Classification Process June 2021. Collection method: clinical testing. Allele origin: germline. Affected: yes.
Comment: Not observed at significant frequency in large population cohorts (gnomAD); In silico analysis supports that this missense variant does not alter protein structure/function; Has not been previously published as pathogenic or benign to our knowledge

NM_001365276.2(TNXB):c.9766C>T (p.Pro3256Ser)

Gene: TNXB (tenascin XB; minus strand). Cytogenetic location: 6p21.33.
Variant type: single nucleotide variant.
Coding change: c.9766C>T on transcript NM_001365276.2 (MANE Select); coding-DNA position 9766, C replaced by T.
Protein change: p.Pro3256Ser; replaces proline 3256 with serine.
Molecular consequence: missense variant.
Genome position (GRCh38, 1-based): chr6:32,048,642, G>A on the plus strand (C>T on the coding strand, the complement: TNXB is on the minus strand). VCF-style: chr6-32048642-G-A. GRCh37 (hg19) VCF-style: chr6-32016419-G-A.
Other names: c.9760C>T, p.Pro3254Ser (NM_019105.8); short protein forms P3254S, P3256S.
Identifiers: ClinVar variation 1810091 (VCV001810091.4), dbSNP rs774464961, ClinGen allele CA3733397.